The following is an entry in ClinVar:

NM_001271.4(CHD2):c.2497C>T (p.Pro833Ser)

Gene: CHD2 (chromodomain helicase DNA binding protein 2; plus strand). Cytogenetic location: 15q26.1.
Variant type: single nucleotide variant.
Coding change: c.2497C>T on transcript NM_001271.4 (MANE Select); coding-DNA position 2497, C replaced by T.
Protein change: p.Pro833Ser; replaces proline 833 with serine.
Molecular consequence: missense variant.
Genome position (GRCh38, 1-based): chr15:92,972,409, C>T. VCF-style: chr15-92972409-C-T. GRCh37 (hg19) VCF-style: chr15-93515639-C-T.
Other names: short protein forms P833S.
Identifiers: ClinVar variation 1699637 (VCV001699637.5), dbSNP rs2053851835, ClinGen allele CA393893440.

ClinVar aggregate classification (germline): Uncertain significance. Review status: criteria provided, multiple submitters, no conflicts (2 of 4 stars). 2 submissions from 2 submitters: Uncertain significance (2). Last evaluated 2023-11-16.

Conditions:
Developmental and epileptic encephalopathy 94 (DEE94). Also called: CHD2-Related Neurodevelopmental Disorders; Epileptic encephalopathy, childhood-onset. Identifiers: Orphanet 1942, Orphanet 2382, MedGen C3809278, MONDO:0014150, OMIM 615369.

Submissions (2):

Labcorp Genetics (formerly Invitae), Labcorp
Classification: Uncertain significance for Developmental and epileptic encephalopathy 94. Last evaluated: 2023-11-16. Review status: criteria provided, single submitter. Criteria: Invitae Variant Classification Sherloc (09022015). Collection method: clinical testing. Allele origin: germline.
Comment: This sequence change replaces proline, which is neutral and non-polar, with serine, which is neutral and polar, at codon 833 of the CHD2 protein (p.Pro833Ser). This variant is not present in population databases (gnomAD no frequency). This variant has not been reported in the literature in individuals affected with CHD2-related conditions. ClinVar contains an entry for this variant (Variation ID: 1699637). Advanced modeling of protein sequence and biophysical properties (such as structural, functional, and spatial information, amino acid conservation, physicochemical variation, residue mobility, and thermodynamic stability) performed at Invitae indicates that this missense variant is not expected to disrupt CHD2 protein function with a negative predictive value of 95%. In summary, the available evidence is currently insufficient to determine the role of this variant in disease. Therefore, it has been classified as a Variant of Uncertain Significance.

GeneDx
Classification: Uncertain significance. Last evaluated: 2022-01-31. Review status: criteria provided, single submitter. Criteria: GeneDx Variant Classification Process June 2021. Collection method: clinical testing. Allele origin: germline. Affected: yes.
Comment: Not observed at significant frequency in large population cohorts (gnomAD); In silico analysis supports that this missense variant has a deleterious effect on protein structure/function; Has not been previously published as pathogenic or benign to our knowledge